The following is an entry in ClinVar:

NM_001038.6(SCNN1A):c.*296C>T

Gene: SCNN1A (sodium channel epithelial 1 subunit alpha; minus strand). Cytogenetic location: 12p13.31.
Variant type: single nucleotide variant.
Coding change: c.*296C>T on transcript NM_001038.6 (MANE Select); 296 bases downstream of the stop codon, C replaced by T.
Molecular consequence: 3 prime UTR variant.
Genome position (GRCh38, 1-based): chr12:6,347,577, G>A on the plus strand (C>T on the coding strand, the complement: SCNN1A is on the minus strand). VCF-style: chr12-6347577-G-A. GRCh37 (hg19) VCF-style: chr12-6456743-G-A.
Other names: c.*296C>T (NM_001159575.2, NM_001159576.2).
Identifiers: ClinVar variation 310126 (VCV000310126.30), dbSNP rs55981728, ClinGen allele CA10638276.

ClinVar aggregate classification (germline): Conflicting classifications of pathogenicity. Review status: criteria provided, conflicting classifications (1 of 4 stars). 4 submissions from 3 submitters: Uncertain significance (1); Benign (2); Likely benign (1). Last evaluated 2023-04-01.

Conditions:
Pseudohypoaldosteronism, type IB1, autosomal recessive. Also called: Pseudohypoaldosteronism, Type I, Recessive; PHA I, AUTOSOMAL RECESSIVE; Autosomal recessive pseudohypoaldosteronism type 1; Pseudohypoaldosteronism, Type I, Autosomal Recessive. Identifiers: Orphanet 171876, Orphanet 756, MedGen C5774176, MONDO:0009917, OMIM 264350.
Bronchiectasis with or without elevated sweat chloride 2 (BESC2). Identifiers: Orphanet 60033, MedGen C2751666, MONDO:0013087, OMIM 613021.

Allele frequency attached by ClinVar (database versions not stated): 1000 Genomes Project 30x 0.00250; 1000 Genomes Project 0.00260; TOPMed 0.00839; gnomAD 0.00844; gnomAD exomes 0.00889.
gnomAD v4.1: 3,953 of 456,604 alleles (0.87%); highest among the groups gnomAD compares: Non-Finnish European, 1.2%; 31 homozygotes.

Submissions (4):

CeGaT Center for Human Genetics Tuebingen
Classification: Benign. Last evaluated: 2023-04-01. Review status: criteria provided, single submitter. Criteria: CeGaT Center For Human Genetics Tuebingen Variant Classification Criteria Version 2. Collection method: clinical testing. Allele origin: germline. Affected: yes. Observed: 1 variant allele.
Comment: SCNN1A: BS1, BS2

GeneDx
Classification: Likely benign. Last evaluated: 2019-08-06. Review status: criteria provided, single submitter. Criteria: GeneDx Variant Classification Process June 2021. Collection method: clinical testing. Allele origin: germline. Affected: yes.
Comment: See Variant Classification Assertion Criteria.

Illumina Laboratory Services, Illumina
Classification: Benign for Bronchiectasis with or without elevated sweat chloride 2. Last evaluated: 2018-01-13. Review status: criteria provided, single submitter. Criteria: ICSL Variant Classification Criteria 13 December 2019. Collection method: clinical testing. Allele origin: germline.
Comment: This variant was observed in the ICSL laboratory as part of a predisposition screen in an ostensibly healthy population. It had not been previously curated by ICSL or reported in the Human Gene Mutation Database (HGMD: prior to June 1st, 2018), and was therefore a candidate for classification through an automated scoring system. Utilizing variant allele frequency, disease prevalence and penetrance estimates, and inheritance mode, an automated score was calculated to assess if this variant is too frequent to cause the disease. Based on the score and internal cut-off values, a variant classified as benign is not then subjected to further curation. The score for this variant resulted in a classification of benign for this disease.

Illumina Laboratory Services, Illumina
Classification: Uncertain significance for Pseudohypoaldosteronism, type IB1, autosomal recessive. Last evaluated: 2018-01-13. Review status: criteria provided, single submitter. Criteria: ICSL Variant Classification Criteria 13 December 2019. Collection method: clinical testing. Allele origin: germline.